The following is an entry in ClinVar:

NM_178170.3(NEK8):c.91A>G (p.Ile31Val)

Gene: NEK8 (NIMA related kinase 8; plus strand). Cytogenetic location: 17q11.2.
Variant type: single nucleotide variant.
Coding change: c.91A>G on transcript NM_178170.3 (MANE Select); coding-DNA position 91, A replaced by G.
Protein change: p.Ile31Val; replaces isoleucine 31 with valine.
Molecular consequence: missense variant.
Genome position (GRCh38, 1-based): chr17:28,734,026, A>G. VCF-style: chr17-28734026-A-G. GRCh37 (hg19) VCF-style: chr17-27061044-A-G.
Other names: short protein forms I31V.
Identifiers: ClinVar variation 3236239 (VCV003236239.4), dbSNP rs2034336285, ClinGen allele CA398421505.
Genomic context (GRCh38, chr17:28,734,026, plus strand): 5'-GTCCTCCGTATCCCTAGGATTGTGCACCTGTGCCTGCGAAAGGCTGACCAGAAGCTGGTG[A>G]TCATCAAGCAGATTCCAGTGGAACAGATGACCAAGGAAGAGCGGCAGGCAGCCCAGAATG-3'
Protein context (NP_835464.1, residues 21-41): CLRKADQKLV[Ile31Val]IKQIPVEQMT

ClinVar aggregate classification (germline): Uncertain significance. Review status: criteria provided, multiple submitters, no conflicts (2 of 4 stars). 4 submissions from 4 submitters: Uncertain significance (4). Last evaluated 2026-01-21.

Conditions:
Polycystic kidney disease 8. Identifiers: MedGen C5935640, MONDO:0971178, OMIM 620903.
Renal-hepatic-pancreatic dysplasia 2 (RHPD2). Identifiers: MedGen C3809434, MONDO:0014174, OMIM 615415.
Nephronophthisis 9 (NPHP9). Identifiers: Orphanet 655, MedGen C3151188, MONDO:0013444, OMIM 613824.

Allele frequency attached by ClinVar (database versions not stated): gnomAD exomes below 0.00001; TOPMed below 0.00001.
gnomAD v4.1: 1 of 1,614,258 alleles (0.000062%); highest among the groups gnomAD compares: Non-Finnish European, 0.000085%; no homozygotes.

Submissions (4):

Victorian Clinical Genetics Services, Murdoch Childrens Research Institute
Classification: Uncertain significance for Polycystic kidney disease 8. Last evaluated: 2026-01-21. Review status: criteria provided, single submitter. Criteria: ACMG Guidelines, 2015. Collection method: clinical testing. Allele origin: germline. Affected: yes.
Comment: This variant is classified as VUS-3C. Evidence in support of pathogenic classification: Variant is present in gnomAD <0.01 (v4: 1 heterozygote(s), 0 homozygote(s)). Additional information: Variant is predicted to result in a missense amino acid change from Ile to Val; This variant is heterozygous; This gene is associated with both recessive and dominant disease. All variant types have been reported in recessive disease. The emerging dominant association with polycystic kidney disease 8 (MIM#620903) has only been reported in individuals with missense variants (PMID: 26967905, PanelApp); Previous evidence of pathogenicity for this variant is inconclusive. This variant has been classified as a VUS by clinical laboratories in ClinVar; No published evidence of segregation with disease has been identified for this variant; No published functional evidence has been identified for this variant; No comparable missense variants have previous evidence for pathogenicity; Variant is located in the annotated protein kinase domain (DECIPHER); Missense variant with inconclusive in silico prediction and/or uninformative conservation; Loss of function is a known mechanism of disease and is associated with renal-hepatic-pancreatic dysplasia 2 (MIM#615415) and nephronophthisis 9 (MIM#613824). Gain of function is also a suggested mechanism of disease for these disorders. Dominant negative is a suggested mechanism of polycystic kidney disease 8 (MIM#620903); Inheritance information for this variant is not currently available in this individual.

Fulgent Genetics
Classification: Uncertain significance for Nephronophthisis 9; Renal-hepatic-pancreatic dysplasia 2; Polycystic kidney disease 8. Last evaluated: 2024-05-07. Review status: criteria provided, single submitter. Criteria: ACMG Guidelines, 2015. Collection method: clinical testing. Allele origin: germline.

MVZ Medizinische Genetik Mainz
Classification: Uncertain significance for Renal-hepatic-pancreatic dysplasia 2. Last evaluated: 2023-10-25. Review status: criteria provided, single submitter. Criteria: UK Practice Guidelines For Variant Classification V4 01 2020. Collection method: clinical testing. Allele origin: germline. Inheritance: Autosomal dominant inheritance. Affected: yes. Observed: 1 variant allele.

Blueprint Genetics
Classification: Uncertain significance. Last evaluated: 2023-08-16. Review status: criteria provided, single submitter. Criteria: ACMG Guidelines, 2015. Collection method: clinical testing. Allele origin: germline.

Literature cited by the submitters: PubMed 26967905 (cited by Victorian Clinical Genetics Services, Murdoch Childrens Research Institute).